The following is an entry in ClinVar:

ClinVar aggregate classification (germline): Uncertain significance. Review status: criteria provided, multiple submitters, no conflicts (2 of 4 stars). 2 submissions from 2 submitters: Uncertain significance (2). Last evaluated 2024-06-15.

Conditions:
Retinitis pigmentosa 80 (RP80). Identifiers: MedGen C4540439, MONDO:0054708, OMIM 617781.
Saldino-Mainzer syndrome (SRTD9). Also called: CONORENAL SYNDROME; Renal dysplasia, retinal pigmentary dystrophy, cerebellar ataxia and skeletal dysplasia; short-rib thoracic dysplasia 9 with or without polydactyly; SHORT-RIB THORACIC DYSPLASIA 9 WITHOUT POLYDACTYLY. Identifiers: Orphanet 140969, MedGen C1849437, MONDO:0009964, OMIM 266920.

Allele frequency attached by ClinVar (database versions not stated): gnomAD exomes below 0.00001; TOPMed 0.00001; gnomAD 0.00002.
gnomAD v4.1: 3 of 1,597,832 alleles (0.00019%); highest among the groups gnomAD compares: African/African-American, 0.004%; no homozygotes.

Submissions (2):

Fulgent Genetics
Classification: Uncertain significance for Saldino-Mainzer syndrome; Retinitis pigmentosa 80. Last evaluated: 2024-06-15. Review status: criteria provided, single submitter. Criteria: ACMG Guidelines, 2015. Collection method: clinical testing. Allele origin: germline.

Labcorp Genetics (formerly Invitae), Labcorp
Classification: Uncertain significance for Saldino-Mainzer syndrome. Last evaluated: 2022-07-12. Review status: criteria provided, single submitter. Criteria: Invitae Variant Classification Sherloc (09022015). Collection method: clinical testing. Allele origin: germline.
Comment: This sequence change replaces threonine, which is neutral and polar, with alanine, which is neutral and non-polar, at codon 1209 of the IFT140 protein (p.Thr1209Ala). This variant is not present in population databases (gnomAD no frequency). This variant has not been reported in the literature in individuals affected with IFT140-related conditions. ClinVar contains an entry for this variant (Variation ID: 1063903). Algorithms developed to predict the effect of missense changes on protein structure and function output the following: SIFT: "Tolerated"; PolyPhen-2: "Benign"; Align-GVGD: "Class C0". The alanine amino acid residue is found in multiple mammalian species, which suggests that this missense change does not adversely affect protein function. In summary, the available evidence is currently insufficient to determine the role of this variant in disease. Therefore, it has been classified as a Variant of Uncertain Significance.

NM_014714.4(IFT140):c.3625A>G (p.Thr1209Ala)

Gene: IFT140 (intraflagellar transport 140; minus strand). Cytogenetic location: 16p13.3.
Variant type: single nucleotide variant.
Coding change: c.3625A>G on transcript NM_014714.4 (MANE Select); coding-DNA position 3625, A replaced by G.
Protein change: p.Thr1209Ala; replaces threonine 1209 with alanine.
Molecular consequence: missense variant.
Genome position (GRCh38, 1-based): chr16:1,520,637, T>C on the plus strand (A>G on the coding strand, the complement: IFT140 is on the minus strand). VCF-style: chr16-1520637-T-C. GRCh37 (hg19) VCF-style: chr16-1570638-T-C.
Other names: short protein forms T1209A.
Identifiers: ClinVar variation 1063903 (VCV001063903.10), dbSNP rs1464318641, ClinGen allele CA394224764.